The following is an entry in ClinVar:

ClinVar aggregate classification (germline): Uncertain significance. Review status: criteria provided, multiple submitters, no conflicts (2 of 4 stars). 2 submissions from 2 submitters: Uncertain significance (2). Last evaluated 2024-12-26.

Conditions:
Atrioventricular septal defect 4 (AVSD4). Identifiers: MedGen C3280781, MONDO:0013747, OMIM 614430.

Submissions (2):

GeneDx
Classification: Uncertain significance. Last evaluated: 2024-12-26. Review status: criteria provided, single submitter. Criteria: GeneDx Variant Classification Process June 2021. Collection method: clinical testing. Allele origin: germline. Affected: yes.
Comment: Not observed at significant frequency in large population cohorts (gnomAD); In silico analysis supports that this missense variant has a deleterious effect on protein structure/function; Has not been previously published as pathogenic or benign to our knowledge

Labcorp Genetics (formerly Invitae), Labcorp
Classification: Uncertain significance for Atrioventricular septal defect 4. Last evaluated: 2020-09-24. Review status: criteria provided, single submitter. Criteria: Invitae Variant Classification Sherloc (09022015). Collection method: clinical testing. Allele origin: germline.
Comment: This sequence change replaces methionine with leucine at codon 310 of the GATA4 protein (p.Met310Leu). The methionine residue is highly conserved and there is a small physicochemical difference between methionine and leucine. This variant is not present in population databases (ExAC no frequency). This variant has not been reported in the literature in individuals with GATA4-related conditions. Algorithms developed to predict the effect of missense changes on protein structure and function are either unavailable or do not agree on the potential impact of this missense change (SIFT: "Deleterious"; PolyPhen-2: "Benign"; Align-GVGD: "Class C0"). This variant disrupts the p.Met310 amino acid residue in GATA4. Other variant(s) that disrupt this residue have been determined to be pathogenic (PMID: 20347099). This suggests that this residue is clinically significant, and that variants that disrupt this residue are likely to be disease-causing. In summary, the available evidence is currently insufficient to determine the role of this variant in disease. Therefore, it has been classified as a Variant of Uncertain Significance.

Literature cited by the submitters: PubMed 20347099 (cited by Labcorp Genetics (formerly Invitae), Labcorp).

NM_001308093.3(GATA4):c.931A>C (p.Met311Leu)

Gene: GATA4 (GATA binding protein 4). Cytogenetic location: 8p23.1.
Variant type: single nucleotide variant.
Coding change: c.931A>C on transcript NM_001308093.3 (MANE Select); coding-DNA position 931, A replaced by C.
Protein change: p.Met311Leu; replaces methionine 311 with leucine.
Molecular consequence: missense variant.
Genome position (GRCh38, 1-based): chr8:11,755,064, A>C. VCF-style: chr8-11755064-A-C. GRCh37 (hg19) VCF-style: chr8-11612573-A-C.
Other names: c.928A>C (NM_002052.3); c.310A>C, p.Met104Leu (NM_001308094.2, NM_001374273.1); c.184A>C, p.Met62Leu (NM_001374274.1); c.928A>C, p.Met310Leu (NM_002052.5); short protein forms M104L, M310L, M311L, M62L.
Identifiers: ClinVar variation 1059827 (VCV001059827.10), dbSNP rs387906772, ClinGen allele CA370314374.